The following is an entry in ClinVar:

NM_213653.4(HJV):c.1153C>T (p.Arg385Ter)

Gene: HJV (hemojuvelin BMP co-receptor; minus strand). Cytogenetic location: 1q21.1.
Variant type: single nucleotide variant.
Coding change: c.1153C>T on transcript NM_213653.4 (MANE Select); coding-DNA position 1153, C replaced by T.
Protein change: p.Arg385Ter; replaces arginine 385 with a stop codon.
Molecular consequence: nonsense.
Genome position (GRCh38, 1-based): chr1:146,018,205, G>A on the plus strand (C>T on the coding strand, the complement: HJV is on the minus strand). VCF-style: chr1-146018205-G-A. GRCh37 (hg19) VCF-style: chr1-145416808-C-T.
Other names: c.475C>T, p.Arg159Ter (NM_001316767.2, NM_202004.4, NM_213652.4); c.1153C>T, p.Arg385Ter (NM_001379352.1); c.814C>T, p.Arg272Ter (NM_145277.5); c.1153C>T (NM_213653.3); short protein forms R159*, R272*, R385*.
Identifiers: ClinVar variation 1066333 (VCV001066333.11), dbSNP rs782803011, ClinGen allele CA1053970.
Genomic context (GRCh38, chr1:146,018,205, plus strand): 5'-GAGGAACCCCAGCATCTGAGGGGAAGAGATGCAGCTTCTCTAAGTCTGGCAGGAAGGCTC[G>A]GGCATCCTCCAGTGCTGCCTGAGCTGCCACGGTAAAGTTGGGATCACCAGAAATTAAAAC-3'

ClinVar aggregate classification (germline): Likely pathogenic. Review status: criteria provided, multiple submitters, no conflicts (2 of 4 stars). 3 submissions from 3 submitters: Likely pathogenic (3). Last evaluated 2025-08-10.

Conditions:
Hemochromatosis type 2A (HFE2A). Also called: Adult-Onset Hemochromatosis; HJV (HFE2)-Related Juvenile Hemochromatosis. Identifiers: Orphanet 79230, MedGen C1865614, MONDO:0011216, OMIM 602390.

Allele frequency attached by ClinVar (database versions not stated): gnomAD 0.00001; TOPMed 0.00001.
gnomAD v4.1: 11 of 1,614,006 alleles (0.00068%); highest among the groups gnomAD compares: Admixed American, 0.005%; no homozygotes.

Submissions (3):

Natera, Inc.
Classification: Likely pathogenic for Hemochromatosis type 2A. Last evaluated: 2025-08-10. Review status: criteria provided, single submitter. Criteria: Natera Variant Classification Schema (03/2026). Collection method: clinical testing. Allele origin: germline.
Comment: The c.1153C>T variant in HJV is a nonsense variant predicted to introduce a stop codon at amino acid 385. This variant may result in a truncated or dysfunctional protein product. This variant is rare in the general population with a frequency below the threshold expected for the associated phenotype(s). This variant has been observed in one or more individuals affected with the associated recessive disease, as either homozygous or compound heterozygous with a second variant (PMID: 30389309, 14982873). Given the available evidence, this variant is classified as Likely Pathogenic.

Labcorp Genetics (formerly Invitae), Labcorp
Classification: Likely pathogenic. Last evaluated: 2025-05-02. Review status: criteria provided, single submitter. Criteria: Invitae Variant Classification Sherloc (09022015). Collection method: clinical testing. Allele origin: germline.
Comment: This sequence change creates a premature translational stop signal (p.Arg385*) in the HJV gene. While this is not anticipated to result in nonsense mediated decay, it is expected to disrupt the last 42 amino acid(s) of the HJV protein. This variant is present in population databases (rs782803011, gnomAD 0.01%). This premature translational stop signal has been observed in individuals with hemochromatosis (PMID: 14982873, 30389309). ClinVar contains an entry for this variant (Variation ID: 1066333). In summary, the currently available evidence indicates that the variant is pathogenic, but additional data are needed to prove that conclusively. Therefore, this variant has been classified as Likely Pathogenic.

Fulgent Genetics
Classification: Likely pathogenic for Hemochromatosis type 2A. Last evaluated: 2024-05-22. Review status: criteria provided, single submitter. Criteria: ACMG Guidelines, 2015. Collection method: clinical testing. Allele origin: germline.

Literature cited by the submitters: PubMed 30389309 (cited by Natera, Inc. and Labcorp Genetics (formerly Invitae), Labcorp); PubMed 14982873 (cited by Natera, Inc. and Labcorp Genetics (formerly Invitae), Labcorp).